The following is an entry in ClinVar:

ClinVar aggregate classification (germline): Uncertain significance (1 of 4 stars; one submission).

Conditions:
Hereditary cancer-predisposing syndrome. Also called: Hereditary Cancer Syndrome; Hereditary neoplastic syndrome; Neoplastic Syndromes, Hereditary; Tumor predisposition. Identifiers: Orphanet 140162, MedGen C0027672, MeSH D009386, MONDO:0015356.

Submission:

Ambry Genetics
Classification: Uncertain significance for Hereditary cancer-predisposing syndrome. Last evaluated: 2020-03-06. Review status: criteria provided, single submitter. Criteria: Ambry Variant Classification Scheme 2023. Collection method: clinical testing. Allele origin: germline.
Comment: The p.I522T variant (also known as c.1565T>C), located in coding exon 14 of the FANCC gene, results from a T to C substitution at nucleotide position 1565. The isoleucine at codon 522 is replaced by threonine, an amino acid with similar properties. This amino acid position is well conserved in available vertebrate species. In addition, this alteration is predicted to be tolerated by in silico analysis. Since supporting evidence is limited at this time, the clinical significance of this alteration remains unclear.

NM_000136.3(FANCC):c.1565T>C (p.Ile522Thr)

Genes: FANCC (FA complementation group C; minus strand), AOPEP (aminopeptidase O (putative); plus strand). Cytogenetic location: 9q22.32.
Variant type: single nucleotide variant.
Coding change: c.1565T>C on transcript NM_000136.3 (MANE Select); coding-DNA position 1565, T replaced by C.
Protein change: p.Ile522Thr; replaces isoleucine 522 with threonine.
Molecular consequence: missense variant.
Genome position (GRCh38, 1-based): chr9:95,101,819, A>G on the plus strand (T>C on the coding strand, the complement: FANCC is on the minus strand). VCF-style: chr9-95101819-A-G. GRCh37 (hg19) VCF-style: chr9-97864101-A-G.
Other names: c.1565T>C, p.Ile522Thr (NM_001243743.2); short protein forms I522T.
Identifiers: ClinVar variation 1775359 (VCV001775359.2), dbSNP rs2540750638, ClinGen allele CA374104719.